The following is an entry in ClinVar:

ClinVar aggregate classification (germline): Uncertain significance. Review status: criteria provided, multiple submitters, no conflicts (2 of 4 stars). 2 submissions from 2 submitters: Uncertain significance (2). Last evaluated 2023-01-02.

Conditions:
Dilated cardiomyopathy 1AA (CMD1AA). Also called: Cardiomyopathy, dilated, 1AA, with or without LVNC; CARDIOMYOPATHY, DILATED, 1AA, WITH OR WITHOUT LEFT VENTRICULAR NONCOMPACTION; CARDIOMYOPATHY, FAMILIAL HYPERTROPHIC, 23, WITH OR WITHOUT LEFT VENTRICULAR NONCOMPACTION. Identifiers: Orphanet 154, MedGen C2677338, MONDO:0012808, OMIM 612158.
Primary familial hypertrophic cardiomyopathy (HCM). Identifiers: Orphanet 99739, MedGen C0949658, MeSH D024741, MONDO:0024573. Inheritance: Various modes of inheritance.

Submissions (2):

Labcorp Genetics (formerly Invitae), Labcorp
Classification: Uncertain significance for Primary familial hypertrophic cardiomyopathy; Dilated cardiomyopathy 1AA. Last evaluated: 2023-01-02. Review status: criteria provided, single submitter. Criteria: Invitae Variant Classification Sherloc (09022015). Collection method: clinical testing. Allele origin: germline.
Comment: In summary, the available evidence is currently insufficient to determine the role of this variant in disease. Therefore, it has been classified as a Variant of Uncertain Significance. Advanced modeling of protein sequence and biophysical properties (such as structural, functional, and spatial information, amino acid conservation, physicochemical variation, residue mobility, and thermodynamic stability) performed at Invitae indicates that this missense variant is expected to disrupt ACTN2 protein function. ClinVar contains an entry for this variant (Variation ID: 201628). This variant has not been reported in the literature in individuals affected with ACTN2-related conditions. This variant is not present in population databases (gnomAD no frequency). This sequence change replaces glycine, which is neutral and non-polar, with aspartic acid, which is acidic and polar, at codon 118 of the ACTN2 protein (p.Gly118Asp).

GeneDx
Classification: Uncertain significance. Last evaluated: 2019-04-11. Review status: criteria provided, single submitter. Criteria: GeneDx Variant Classification Process June 2021. Collection method: clinical testing. Allele origin: germline. Affected: yes.
Comment: Has not been previously published as pathogenic or benign to our knowledge; In silico analysis, which includes protein predictors and evolutionary conservation, supports a deleterious effect; Not observed in large population cohorts (Lek et al., 2016)

NM_001103.4(ACTN2):c.353G>A (p.Gly118Asp)

Gene: ACTN2 (actinin alpha 2; plus strand). Cytogenetic location: 1q43.
Variant type: single nucleotide variant.
Coding change: c.353G>A on transcript NM_001103.4 (MANE Select); coding-DNA position 353, G replaced by A.
Protein change: p.Gly118Asp; replaces glycine 118 with aspartic acid.
Molecular consequence: missense variant. On other transcripts: 5 prime UTR variant (1).
Genome position (GRCh38, 1-based): chr1:236,719,005, G>A. VCF-style: chr1-236719005-G-A. GRCh37 (hg19) VCF-style: chr1-236882305-G-A.
Other names: p.G118D:GGC>GAC; c.353G>A, p.Gly118Asp (NM_001278343.2); c.-469G>A (NM_001278344.2); short protein forms G118D.
Identifiers: ClinVar variation 201628 (VCV000201628.13), dbSNP rs794728960, ClinGen allele CA335007.